The following is an entry in ClinVar:

NM_001943.5(DSG2):c.1252G>A (p.Glu418Lys)

Gene: DSG2 (desmoglein 2; plus strand). Cytogenetic location: 18q12.1.
Variant type: single nucleotide variant.
Coding change: c.1252G>A on transcript NM_001943.5 (MANE Select); coding-DNA position 1252, G replaced by A.
Protein change: p.Glu418Lys; replaces glutamic acid 418 with lysine.
Molecular consequence: missense variant.
Genome position (GRCh38, 1-based): chr18:31,531,224, G>A. VCF-style: chr18-31531224-G-A. GRCh37 (hg19) VCF-style: chr18-29111187-G-A.
Other names: short protein forms E418K.
Identifiers: ClinVar variation 2696936 (VCV002696936.3), dbSNP rs776269081, ClinGen allele CA041759.
Genomic context (GRCh38, chr18:31,531,224, plus strand): 5'-AGCGAGAGCATGGATAGATCAAGCAAAGGCCAAATAATTGGAAATTTTCAAGCTTTTGAT[G>A]AGGACACTGGACTACCAGCCCATGCAAGGTAAGAGAGAGTGACACGTGTATTTCTTTATT-3'
Protein context (NP_001934.2, residues 408-428): QIIGNFQAFD[Glu418Lys]DTGLPAHARY

ClinVar aggregate classification (germline): Uncertain significance (1 of 4 stars; one submission).

Conditions:
Arrhythmogenic right ventricular dysplasia 10. Also called: Arrhythmogenic Right Ventricular Dysplasia/Cardiomyopathy10; Arrhythmogenic right ventricular dysplasia/cardiomyopathy, type 10; ARRHYTHMOGENIC RIGHT VENTRICULAR DYSPLASIA, FAMILIAL, 10. Identifiers: MedGen C1857777, MONDO:0012434, OMIM 610193.

Allele frequency attached by ClinVar (database versions not stated): gnomAD exomes below 0.00001; ExAC 0.00001.
gnomAD v4.1: 1 of 1,614,170 alleles (0.000062%); highest among the groups gnomAD compares: Admixed American, 0.0017%; no homozygotes.

Submission:

Labcorp Genetics (formerly Invitae), Labcorp
Classification: Uncertain significance for Arrhythmogenic right ventricular dysplasia 10. Last evaluated: 2024-08-19. Review status: criteria provided, single submitter. Criteria: Invitae Variant Classification Sherloc (09022015). Collection method: clinical testing. Allele origin: germline.
Comment: This sequence change replaces glutamic acid, which is acidic and polar, with lysine, which is basic and polar, at codon 418 of the DSG2 protein (p.Glu418Lys). This variant is present in population databases (rs776269081, gnomAD 0.003%). This variant has not been reported in the literature in individuals affected with DSG2-related conditions. Invitae Evidence Modeling of protein sequence and biophysical properties (such as structural, functional, and spatial information, amino acid conservation, physicochemical variation, residue mobility, and thermodynamic stability) indicates that this missense variant is not expected to disrupt DSG2 protein function with a negative predictive value of 95%. In summary, the available evidence is currently insufficient to determine the role of this variant in disease. Therefore, it has been classified as a Variant of Uncertain Significance.